The following is an entry in ClinVar:

NM_000059.4(BRCA2):c.2810A>C (p.Gln937Pro)

Gene: BRCA2 (BRCA2 DNA repair associated; plus strand). Cytogenetic location: 13q13.1.
Variant type: single nucleotide variant.
Coding change: c.2810A>C on transcript NM_000059.4 (MANE Select); coding-DNA position 2810, A replaced by C.
Protein change: p.Gln937Pro; replaces glutamine 937 with proline.
Molecular consequence: missense variant.
Genome position (GRCh38, 1-based): chr13:32,337,165, A>C. VCF-style: chr13-32337165-A-C. GRCh37 (hg19) VCF-style: chr13-32911302-A-C.
Other names: p.Q937P:CAA>CCA; short protein forms Q937P.
Identifiers: ClinVar variation 182191 (VCV000182191.31), dbSNP rs730881516, ClinGen allele CA016468.

ClinVar aggregate classification (germline): Conflicting classifications of pathogenicity. Review status: criteria provided, conflicting classifications (1 of 4 stars). 11 submissions from 11 submitters: Uncertain significance (10); Likely benign (1). Last evaluated 2025-08-20.

Conditions:
Familial cancer of breast. Also called: Hereditary breast cancer; hereditary breast carcinoma; BREAST CANCER, FAMILIAL. Identifiers: Orphanet 227535, MedGen C0346153, MONDO:0016419, OMIM 114480. Disease mechanism: loss of function.
Breast-ovarian cancer, familial, susceptibility to, 2 (BROVCA2). Also called: BRCA2 Hereditary Breast and Ovarian Cancer. Identifiers: Orphanet 145, MedGen C2675520, MONDO:0012933, OMIM 612555. Disease mechanism: loss of function.
Wilms tumor 1 (WT1). Also called: Wilms tumor, somatic. Identifiers: Orphanet 654, MedGen CN033288, MONDO:0008679, OMIM 194070.
Pancreatic cancer, susceptibility to, 2. Identifiers: Orphanet 1333, MedGen C3150546, MONDO:0013235, OMIM 613347.
Glioma susceptibility 3 (GLM3). Also called: Glioblastoma 3. Identifiers: Orphanet 182067, Orphanet 360, MedGen C2751641, MONDO:0013093, OMIM 613029.
Familial prostate cancer. Also called: Hereditary Prostate Cancer. Identifiers: MedGen C2931456, MONDO:0700275, OMIM 176807.
Fanconi anemia complementation group D1. Also called: BRCA2-Related Fanconi Anemia. Identifiers: Orphanet 319462, MedGen C1838457, MONDO:0011584, OMIM 605724.
Medulloblastoma (MDB). Also called: MEDULLOBLASTOMA PREDISPOSITION SYNDROME; Medulloblastoma, somatic. Identifiers: Orphanet 616, MedGen C0025149, MeSH D008527, MONDO:0007959, OMIM 155255, HP:0002885.
BRCA2-related cancer predisposition. Identifiers: MedGen CN377758, MONDO:0700269.
Hereditary cancer-predisposing syndrome. Also called: Hereditary Cancer Syndrome; Neoplastic Syndromes, Hereditary; Tumor predisposition; Hereditary neoplastic syndrome. Identifiers: Orphanet 140162, MedGen C0027672, MeSH D009386, MONDO:0015356.
Hereditary breast ovarian cancer syndrome. Also called: Hereditary breast and ovarian cancer; Hereditary breast and ovarian cancer syndrome (HBOC); Hereditary breast and/or ovarian cancer syndrome; Hereditary breast and ovarian cancer syndrome; Breast and ovarian cancer; BRCA1- and BRCA2-Associated Hereditary Breast and Ovarian Cancer. Identifiers: Orphanet 145, MedGen C0677776, MeSH D061325, MONDO:0003582. Disease mechanism: loss of function.

Allele frequency attached by ClinVar (database versions not stated): gnomAD exomes below 0.00001; TOPMed below 0.00001.
gnomAD v4.1: 27 of 1,613,868 alleles (0.0017%); highest among the groups gnomAD compares: Non-Finnish European, 0.0023%; no homozygotes.

Submissions (11):

Color Diagnostics, LLC DBA Color Health
Classification: Uncertain significance for Hereditary cancer-predisposing syndrome. Last evaluated: 2025-08-20. Review status: criteria provided, single submitter. Criteria: ACMG Guidelines, 2015. Collection method: clinical testing. Allele origin: germline.
Comment: This missense variant replaces glutamine with proline at codon 937 of the BRCA2 protein. Computational prediction suggests that this variant may not impact protein structure and function. To our knowledge, functional studies have not been reported for this variant. This variant has been detected in a breast cancer case-control meta-analysis in 0/60466 cases and 2/53461 unaffected individuals (PMID: 33471991Leiden Open Variation Database DB-ID BRCA2_007996). A multifactorial analysis has reached a combined likelihood ratio (LR) of 0.631 based on reported LR for co-occurrence with a pathogenic variant and personal and family history for 1 carrier (PMID: 31853058). This variant has been identified in 1/250796 chromosomes in the general population by the Genome Aggregation Database (gnomAD). The available evidence is insufficient to determine the role of this variant in disease conclusively. Therefore, this variant is classified as a Variant of Uncertain Significance.

Women's Health and Genetics/Laboratory Corporation of America, LabCorp
Classification: Uncertain significance. Last evaluated: 2025-04-03. Review status: criteria provided, single submitter. Criteria: LabCorp Variant Classification Summary - May 2015. Collection method: clinical testing. Allele origin: germline.
Comment: Variant summary: BRCA2 c.2810A>C (p.Gln937Pro) results in a non-conservative amino acid change in the encoded protein sequence. Three of five in-silico tools predict a benign effect of the variant on protein function. The variant allele was found at a frequency of 4e-06 in 250796 control chromosomes. The available data on variant occurrences in the general population are insufficient to allow any conclusion about variant significance. In the literature, c.2810A>C was absent in individuals affected with breast cancer, but has been reported in two controls (Dorling_2021). This report does not provide unequivocal conclusions about association of the variant with Hereditary Breast And Ovarian Cancer Syndrome. At least one experimental study has reported that this variant does not affect normal splicing (e.g. Wai_2020). To our knowledge, no experimental evidence demonstrating an impact on protein function has been reported. The following publications have been ascertained in the context of this evaluation (PMID: 32123317, 33471991). ClinVar contains an entry for this variant (Variation ID: 182191). Based on the evidence outlined above, the variant was classified as uncertain significance.

Labcorp Genetics (formerly Invitae), Labcorp
Classification: Uncertain significance for Hereditary breast ovarian cancer syndrome. Last evaluated: 2025-01-19. Review status: criteria provided, single submitter. Criteria: Invitae Variant Classification Sherloc (09022015). Collection method: clinical testing. Allele origin: germline.
Comment: This sequence change replaces glutamine, which is neutral and polar, with proline, which is neutral and non-polar, at codon 937 of the BRCA2 protein (p.Gln937Pro). This variant is present in population databases (rs730881516, gnomAD 0.0009%). This variant has not been reported in the literature in individuals affected with BRCA2-related conditions. ClinVar contains an entry for this variant (Variation ID: 182191). Invitae Evidence Modeling of protein sequence and biophysical properties (such as structural, functional, and spatial information, amino acid conservation, physicochemical variation, residue mobility, and thermodynamic stability) indicates that this missense variant is not expected to disrupt BRCA2 protein function with a negative predictive value of 95%. In summary, the available evidence is currently insufficient to determine the role of this variant in disease. Therefore, it has been classified as a Variant of Uncertain Significance.

Ambry Genetics
Classification: Uncertain significance for Hereditary cancer-predisposing syndrome. Last evaluated: 2024-10-07. Review status: criteria provided, single submitter. Criteria: Ambry Variant Classification Scheme 2023. Collection method: clinical testing. Allele origin: germline.
Comment: The p.Q937P variant (also known as c.2810A>C), located in coding exon 10 of the BRCA2 gene, results from an A to C substitution at nucleotide position 2810. The glutamine at codon 937 is replaced by proline, an amino acid with similar properties. This amino acid position is well conserved in available vertebrate species. In addition, the in silico prediction for this alteration is inconclusive. Based on the available evidence, the clinical significance of this variant remains unclear.

Blueprint Genetics
Classification: Uncertain significance. Last evaluated: 2024-04-11. Review status: criteria provided, single submitter. Criteria: ACMG Guidelines, 2015. Collection method: clinical testing. Allele origin: germline.

All of Us Research Program, National Institutes of Health
Classification: Uncertain significance for BRCA2-related cancer predisposition. Last evaluated: 2024-03-05. Review status: criteria provided, single submitter. Criteria: ACMG Guidelines, 2015. Collection method: clinical testing. Allele origin: germline. Inheritance: Autosomal dominant inheritance. Observed: 3 variant alleles, 3 heterozygotes.
Comment: This missense variant replaces glutamine with proline at codon 937 of the BRCA2 protein. Computational prediction suggests that this variant may not impact protein structure and function (internally defined REVEL score threshold <= 0.5, PMID: 27666373). To our knowledge, functional studies have not been reported for this variant. This variant has not been reported in individuals affected with BRCA2-related disorders in the literature, but has been reported in two unaffected individuals (PMID: 33471991; Leiden Open Variation Database DB-ID BRCA2_007996). This variant has been identified in 1/250796 chromosomes in the general population by the Genome Aggregation Database (gnomAD). The available evidence is insufficient to determine the role of this variant in disease conclusively. Therefore, this variant is classified as a Variant of Uncertain Significance.

This study involves interpretation of variants in research participants for the purpose of population health screening. Participant phenotype was not available at the time of variant classification. Additional details can be found in publication PMID: 35346344, PMCID: PMC8962531

Fulgent Genetics
Classification: Uncertain significance for Familial cancer of breast; Medulloblastoma; Familial prostate cancer; Wilms tumor 1; Fanconi anemia complementation group D1; Breast-ovarian cancer, familial, susceptibility to, 2; Glioma susceptibility 3; Pancreatic cancer, susceptibility to, 2. Last evaluated: 2024-02-01. Review status: criteria provided, single submitter. Criteria: ACMG Guidelines, 2015. Collection method: clinical testing. Allele origin: germline.

University of Washington Department of Laboratory Medicine, University of Washington
Classification: Likely benign for Hereditary cancer-predisposing syndrome. Last evaluated: 2023-03-23. Review status: criteria provided, single submitter. Criteria: Dines et al. (Genet Med. 2020). Collection method: curation. Allele origin: germline.
Comment: Missense variant in a coldspot region where missense variants are very unlikely to be pathogenic (PMID:31911673).

BRCA2 exon 11 coldspot. Reclassification based on statistical prior probability.

ARUP Laboratories, Molecular Genetics and Genomics, ARUP Laboratories
Classification: Uncertain significance. Last evaluated: 2022-03-24. Review status: criteria provided, single submitter. Criteria: ARUP Molecular Germline Variant Investigation Process 2021. Collection method: clinical testing. Allele origin: germline.
Comment: The BRCA2 c.2810A>C; p.Gln937Pro variant (rs730881516), to our knowledge, is not reported in the medical literature in individuals with hereditary breast and ovarian cancer syndrome but is reported in ClinVar (Variation ID: 182191). This variant is only observed on one allele in the Genome Aggregation Database, indicating it is not a common polymorphism. The glutamine at codon 937 is moderately conserved but computational analyses are uncertain whether this variant is neutral or deleterious (REVEL: 0.319). Due to limited information, the clinical significance of this variant is uncertain at this time.

Sema4
Classification: Uncertain significance for Hereditary cancer-predisposing syndrome. Last evaluated: 2022-01-27. Review status: criteria provided, single submitter. Criteria: Sema4 Curation Guidelines. Collection method: curation. Allele origin: germline.
Comment: To the best of our knowledge, the BRCA2 c.2810A>C (p.Q937P) variant has not been reported in individuals with BRCA2-related disease. It was observed in 1/250796 chromosomes in the Genome Aggregation Database (PMID: 32461654). The variant has been reported in ClinVar (Variation ID: 182191). Functional studies have not been performed, and in silico predictions of the variant's effect on protein function are inconclusive. The evidence is insufficient to meet ACMG/AMP criteria for classifying the variant as benign or pathogenic. Thus, the clinical significance of this variant is currently uncertain.

GeneDx
Classification: Uncertain significance. Last evaluated: 2017-06-13. Review status: criteria provided, single submitter. Criteria: GeneDx Variant Classification (06012015). Collection method: clinical testing. Allele origin: germline. Affected: yes.
Comment: This variant is denoted BRCA2 c.2810A>C at the cDNA level, p.Gln937Pro (Q937P) at the protein level, and results in the change of a Glutamine to a Proline (CAA>CCA). Using alternate nomenclature, this variant would be defined as BRCA2 3038A>C. This variant has not, to our knowledge, been published in the literature as pathogenic or benign. BRCA2 Gln937Pro was not observed in large population cohorts (NHLBI Exome Sequencing Project, The 1000 Genomes Consortium 2015, Lek 2016). Since Glutamine and Proline differ in polarity, charge, size or other properties, this is considered a non-conservative amino acid substitution. BRCA2 Gln937Pro occurs at a position that is not conserved and is not located in a known functional domain. In silico analyses are inconsistent regarding the effect this variant may have on protein structure and function. Based on currently available evidence, it is unclear whether BRCA2 Gln937Pro is a pathogenic or benign variant. We consider it to be a variant of uncertain significance.

Literature cited by the submitters: PubMed 31853058 (cited by Color Diagnostics, LLC DBA Color Health); PubMed 33471991 (cited by 3 submitters); PubMed 32123317 (cited by Women's Health and Genetics/Laboratory Corporation of America, LabCorp).